The following is an entry in ClinVar:

NM_001204.7(BMPR2):c.1897C>G (p.Pro633Ala)

Gene: BMPR2 (bone morphogenetic protein receptor type 2; plus strand). Cytogenetic location: 2q33.2.
Variant type: single nucleotide variant.
Coding change: c.1897C>G on transcript NM_001204.7 (MANE Select); coding-DNA position 1897, C replaced by G.
Protein change: p.Pro633Ala; replaces proline 633 with alanine.
Molecular consequence: missense variant.
Genome position (GRCh38, 1-based): chr2:202,555,562, C>G. VCF-style: chr2-202555562-C-G. GRCh37 (hg19) VCF-style: chr2-203420285-C-G.
Other names: short protein forms P633A.
Identifiers: ClinVar variation 5033123 (VCV005033123.1).
Genomic context (GRCh38, chr2:202,555,562, plus strand): 5'-ACAACCACAAACACCACAGGACTCACGCCAAGTACTGGCATGACTACTATATCTGAGATG[C>G]CATACCCAGATGAAACAAATCTGCATACCACAAATGTTGCACAGTCAATTGGGCCAACCC-3'
Protein context (NP_001195.2, residues 623-643): STGMTTISEM[Pro633Ala]YPDETNLHTT

ClinVar aggregate classification (germline): Uncertain significance (1 of 4 stars; one submission).

Conditions:
Inborn genetic diseases. Identifiers: MedGen C0950123, MeSH D030342.

Submission:

Ambry Genetics
Classification: Uncertain significance for Inborn genetic diseases. Last evaluated: 2026-08-23. Review status: criteria provided, single submitter. Criteria: Ambry Variant Classification Scheme 2023. Collection method: clinical testing. Allele origin: germline.
Comment: The p.P633A variant (also known as c.1897C>G), located in coding exon 12 of the BMPR2 gene, results from a C to G substitution at nucleotide position 1897. The proline at codon 633 is replaced by alanine, an amino acid with highly similar properties. This amino acid position is conserved. In addition, this alteration is predicted to be tolerated by in silico analysis. Based on the available evidence, the clinical significance of this variant remains unclear.